The following is an entry in ClinVar:

NM_001042413.2(GLIS3):c.1457C>T (p.Thr486Ile)

Gene: GLIS3 (GLIS family zinc finger 3; minus strand). Cytogenetic location: 9p24.2.
Variant type: single nucleotide variant.
Coding change: c.1457C>T on transcript NM_001042413.2 (MANE Select); coding-DNA position 1457, C replaced by T.
Protein change: p.Thr486Ile; replaces threonine 486 with isoleucine.
Molecular consequence: missense variant.
Genome position (GRCh38, 1-based): chr9:4,118,021, G>A on the plus strand (C>T on the coding strand, the complement: GLIS3 is on the minus strand). VCF-style: chr9-4118021-G-A. GRCh37 (hg19) VCF-style: chr9-4118021-G-A.
Other names: c.1457C>T, p.Thr486Ile (NM_001438906.1, NM_001438907.1, NM_001438908.1 and 2 more transcripts); c.992C>T, p.Thr331Ile (NM_001438909.1, NM_001438915.1, NM_152629.4); c.791C>T, p.Thr264Ile (NM_001438911.1, NM_001438912.1, NM_001438916.1); short protein forms T486I, T331I, T264I.
Identifiers: ClinVar variation 4989792 (VCV004989792.1).

ClinVar aggregate classification (germline): Uncertain significance (1 of 4 stars; one submission).

Conditions:
GLIS3-related disorder. Also called: GLIS3-related condition.

gnomAD v4.1: 6 of 1,603,888 alleles (0.00037%); highest among the groups gnomAD compares: East Asian, 0.0022%; no homozygotes.

Submission:

PreventionGenetics, part of Exact Sciences
Classification: Uncertain significance for GLIS3-related condition. Last evaluated: 2026-05-13. Review status: criteria provided, single submitter. Criteria: ACMG Guidelines, 2015. Collection method: clinical testing. Allele origin: germline.
Comment: The GLIS3 c.1457C>T variant is predicted to result in the amino acid substitution p.Thr486Ile. To our knowledge, this variant has not been reported in the literature. This variant is reported in 0.0055% of alleles in individuals of East Asian descent in gnomAD. At this time, the clinical significance of this variant is uncertain due to the absence of conclusive functional and genetic evidence.